The following is an entry in ClinVar:

NM_000390.4(CHM):c.20C>A (p.Ser7Ter)

Gene: CHM (CHM Rab escort protein; minus strand). Cytogenetic location: Xq21.2.
Variant type: single nucleotide variant.
Coding change: c.20C>A on transcript NM_000390.4 (MANE Select); coding-DNA position 20, C replaced by A.
Protein change: p.Ser7Ter; replaces serine 7 with a stop codon.
Molecular consequence: nonsense.
Genome position (GRCh38, 1-based): chrX:86,047,513, G>T on the plus strand (C>A on the coding strand, the complement: CHM is on the minus strand). VCF-style: chrX-86047513-G-T. GRCh37 (hg19) VCF-style: chrX-85302517-G-T.
Other names: c.20C>A, p.Ser7Ter (NM_001145414.4); short protein forms S7*.
Identifiers: ClinVar variation 2737273 (VCV002737273.3), dbSNP rs1357495676, ClinGen allele CA413788693.
Genomic context (GRCh38, chrX:86,047,513, plus strand): 5'-CTTTGTCCAGGAAGCACCAGGCTACACATACCCGTCCCTATTACGATCACATCAAACTCC[G>T]AAGGGAGAGTATCCGCCATCTTGACGGGAAACGTGTCATGTGACTATTACTTGTGGAAAT-3'

ClinVar aggregate classification (germline): Pathogenic (1 of 4 stars; one submission).

Submission:

Labcorp Genetics (formerly Invitae), Labcorp
Classification: Pathogenic. Last evaluated: 2023-11-02. Review status: criteria provided, single submitter. Criteria: Invitae Variant Classification Sherloc (09022015). Collection method: clinical testing. Allele origin: germline.
Comment: This sequence change creates a premature translational stop signal (p.Ser7*) in the CHM gene. It is expected to result in an absent or disrupted protein product. Loss-of-function variants in CHM are known to be pathogenic (PMID: 9067750, 23811034). This variant is not present in population databases (gnomAD no frequency). This premature translational stop signal has been observed in individual(s) with choroideremia (PMID: 23811034). For these reasons, this variant has been classified as Pathogenic.

Literature cited by the submitters: PubMed 9067750; PubMed 23811034.